The following is an entry in ClinVar:

ClinVar aggregate classification (germline): Conflicting classifications of pathogenicity. Review status: criteria provided, conflicting classifications (1 of 4 stars). 3 submissions from 3 submitters: Uncertain significance (1); Likely benign (1). 1 of the submissions does not count toward it. Last evaluated 2025-07-31.

Conditions:
Mucopolysaccharidosis, MPS-III-B (MPS3B). Also called: MPS IIIB (Sanfilippo Syndrome Type B); MUCOPOLYSACCHARIDOSIS, TYPE IIIB; Mucopolysaccharidosis type IIIB (Sanfilippo B); N-ACETYL-ALPHA-D-GLUCOSAMINIDASE DEFICIENCY; NAGLU DEFICIENCY; SANFILIPPO SYNDROME B. Identifiers: Orphanet 79270, MedGen C0086648, MONDO:0009656, OMIM 252920.
Charcot-Marie-Tooth disease axonal type 2V. Also called: CHARCOT-MARIE-TOOTH NEUROPATHY, TYPE 2V; CHARCOT-MARIE-TOOTH DISEASE, AXONAL, AUTOSOMAL DOMINANT, TYPE 2V. Identifiers: Orphanet 447964, MedGen C5569050, MONDO:0014665, OMIM 616491.
Inborn genetic diseases. Identifiers: MedGen C0950123, MeSH D030342.

Allele frequency attached by ClinVar (database versions not stated): gnomAD 0.00001; gnomAD exomes 0.00002 and 0.00001; TOPMed 0.00002.
gnomAD v4.1: 8 of 1,597,854 alleles (0.0005%); highest among the groups gnomAD compares: Admixed American, 0.0052%; no homozygotes.

Submissions (3):

Ambry Genetics
Classification: Likely benign for Inborn genetic diseases. Last evaluated: 2025-07-31. Review status: criteria provided, single submitter. Criteria: Ambry Variant Classification Scheme 2023. Collection method: clinical testing. Allele origin: germline.

Labcorp Genetics (formerly Invitae), Labcorp
Classification: Uncertain significance for Charcot-Marie-Tooth disease axonal type 2V; Mucopolysaccharidosis, MPS-III-B. Last evaluated: 2024-11-05. Review status: criteria provided, single submitter. Criteria: Invitae Variant Classification Sherloc (09022015). Collection method: clinical testing. Allele origin: germline.
Comment: This sequence change replaces arginine, which is basic and polar, with glutamine, which is neutral and polar, at codon 481 of the NAGLU protein (p.Arg481Gln). The frequency data for this variant in the population databases is considered unreliable, as metrics indicate poor data quality at this position in the gnomAD database. This variant has not been reported in the literature in individuals affected with NAGLU-related conditions. ClinVar contains an entry for this variant (Variation ID: 990469). An algorithm developed to predict the effect of missense changes on protein structure and function outputs the following: PolyPhen-2: "Benign". The glutamine amino acid residue is found in multiple mammalian species, which suggests that this missense change does not adversely affect protein function. In summary, the available evidence is currently insufficient to determine the role of this variant in disease. Therefore, it has been classified as a Variant of Uncertain Significance.

Natera, Inc.
Classification: Uncertain significance for Mucopolysaccharidosis type IIIB. Last evaluated: 2020-08-25. Review status: no assertion criteria provided. Collection method: clinical testing. Allele origin: germline. Not counted in ClinVar's aggregate classification.

NM_000263.4(NAGLU):c.1442G>A (p.Arg481Gln)

Gene: NAGLU (N-acetyl-alpha-glucosaminidase; plus strand). Cytogenetic location: 17q21.2.
Variant type: single nucleotide variant.
Coding change: c.1442G>A on transcript NM_000263.4 (MANE Select); coding-DNA position 1442, G replaced by A.
Protein change: p.Arg481Gln; replaces arginine 481 with glutamine.
Molecular consequence: missense variant.
Genome position (GRCh38, 1-based): chr17:42,543,448, G>A. VCF-style: chr17-42543448-G-A. GRCh37 (hg19) VCF-style: chr17-40695466-G-A.
Other names: c.1442G>A (NM_000263.3); short protein forms R481Q.
Identifiers: ClinVar variation 990469 (VCV000990469.5), dbSNP rs868244206, ClinGen allele CA290780503.
Genomic context (GRCh38, chr17:42,543,448, plus strand): 5'-TGGGCTGGCGAAAGGACCCAGTGCCAGATTTGGCAGCCTGGGTGACCAGCTTTGCCGCCC[G>A]GCGGTATGGGGTCTCCCACCCGGACGCAGGGGCAGCGTGGAGGCTACTGCTCCGGAGTGT-3'
Protein context (NP_000254.2, residues 471-491): LAAWVTSFAA[Arg481Gln]RYGVSHPDAG